The following is an entry in ClinVar:

ClinVar aggregate classification (germline): Uncertain significance (1 of 4 stars; one submission).

Conditions:
Neurodevelopmental disorder with infantile epileptic spasms. Identifiers: MedGen C5543538, MONDO:0859162, OMIM 619373.

Submission:

3billion
Classification: Uncertain significance for Neurodevelopmental disorder with infantile epileptic spasms. Last evaluated: 2022-01-03. Review status: criteria provided, single submitter. Criteria: ACMG Guidelines, 2015. Collection method: clinical testing. Allele origin: germline. Affected: yes. Observed: 1 heterozygote.
Comment: The variant is not observed in the gnomAD v2.1.1 dataset (PM2_M). In silico tool predictions suggest damaging effect of the variant on gene or gene product (3CNET: 0.83, PP3_P). A missense variant is a common mechanism associated with Neurodevelopmental disorder with infantile epileptic spasms (PP2_P). Therefore, this variant is classified as uncertain significance according to the recommendation of ACMG/AMP guideline.

NM_014284.3(NCDN):c.259C>A (p.Arg87Ser)

Gene: NCDN (neurochondrin; plus strand). Cytogenetic location: 1p34.3.
Variant type: single nucleotide variant.
Coding change: c.259C>A on transcript NM_014284.3 (MANE Select); coding-DNA position 259, C replaced by A.
Protein change: p.Arg87Ser; replaces arginine 87 with serine.
Molecular consequence: missense variant.
Genome position (GRCh38, 1-based): chr1:35,560,410, C>A. VCF-style: chr1-35560410-C-A. GRCh37 (hg19) VCF-style: chr1-36026011-C-A.
Other names: c.259C>A, p.Arg87Ser (NM_001014839.2); c.208C>A, p.Arg70Ser (NM_001014841.2); short protein forms R70S, R87S.
Identifiers: ClinVar variation 1333436 (VCV001333436.1), dbSNP rs2148537420, ClinGen allele CA339343020.